The following is an entry in ClinVar:

ClinVar aggregate classification (germline): Likely benign (1 of 4 stars; one submission).

Allele frequency attached by ClinVar (database versions not stated): ExAC 0.00001; gnomAD exomes below 0.00001.
gnomAD v4.1: 4 of 1,614,228 alleles (0.00025%); highest among the groups gnomAD compares: Non-Finnish European, 0.00034%; no homozygotes.

Submission:

GeneDx
Classification: Likely benign. Last evaluated: 2016-12-20. Review status: criteria provided, single submitter. Criteria: GeneDx Variant Classification (06012015). Collection method: clinical testing. Allele origin: germline. Affected: yes.
Comment: This variant is considered likely benign or benign based on one or more of the following criteria: it is a conservative change, it occurs at a poorly conserved position in the protein, it is predicted to be benign by multiple in silico algorithms, and/or has population frequency not consistent with disease.

NM_001376.5(DYNC1H1):c.4092T>C (p.Asp1364=)

Gene: DYNC1H1 (dynein cytoplasmic 1 heavy chain 1; plus strand). Cytogenetic location: 14q32.31.
Variant type: single nucleotide variant.
Coding change: c.4092T>C on transcript NM_001376.5 (MANE Select); coding-DNA position 4092, T replaced by C.
Protein change: p.Asp1364=; no amino-acid change (aspartic acid 1364 retained).
Molecular consequence: synonymous variant.
Genome position (GRCh38, 1-based): chr14:102,000,971, T>C. VCF-style: chr14-102000971-T-C. GRCh37 (hg19) VCF-style: chr14-102467308-T-C.
Identifiers: ClinVar variation 391736 (VCV000391736.1), dbSNP rs755815163, ClinGen allele CA7352168.